The following is an entry in ClinVar:

ClinVar aggregate classification (germline): Benign/Likely benign. Review status: criteria provided, multiple submitters, no conflicts (2 of 4 stars). 6 submissions from 6 submitters: Benign (2); Likely benign (4). Last evaluated 2025-12-24.

Allele frequency attached by ClinVar (database versions not stated): ExAC 0.00078; ESP Exome Variant Server 0.00244; gnomAD 0.00316 and 0.00340; 1000 Genomes Project 0.00319; 1000 Genomes Project 30x 0.00328; TOPMed 0.00358.
gnomAD v4.1: 992 of 1,605,560 alleles (0.062%); highest among the groups gnomAD compares: African/African-American, 1.1%; 5 homozygotes.

Submissions (6):

Labcorp Genetics (formerly Invitae), Labcorp
Classification: Benign. Last evaluated: 2025-12-24. Review status: criteria provided, single submitter. Criteria: Invitae Variant Classification Sherloc (09022015). Collection method: clinical testing. Allele origin: germline.

CeGaT Center for Human Genetics Tuebingen
Classification: Likely benign. Last evaluated: 2025-12-01. Review status: criteria provided, single submitter. Criteria: CeGaT Center For Human Genetics Tuebingen Variant Classification Criteria Version 2. Collection method: clinical testing. Allele origin: germline. Affected: yes. Observed: 1 variant allele.
Comment: KANK2: BP4, BP7, BS1

Mayo Clinic Laboratories, Mayo Clinic
Classification: Likely benign. Last evaluated: 2025-03-04. Review status: criteria provided, single submitter. Criteria: ACMG Guidelines, 2015. Collection method: clinical testing. Allele origin: germline. Observed: 2 variant alleles.
Comment: BS1, BP4, BP7

Blueprint Genetics
Classification: Likely benign. Last evaluated: 2024-06-11. Review status: criteria provided, single submitter. Criteria: ACMG Guidelines, 2015. Collection method: clinical testing. Allele origin: germline.

GeneDx
Classification: Likely benign. Last evaluated: 2021-03-17. Review status: criteria provided, single submitter. Criteria: GeneDx Variant Classification Process June 2021. Collection method: clinical testing. Allele origin: germline. Affected: yes.
Comment: See Variant Classification Assertion Criteria.

Breakthrough Genomics
Classification: Benign. Review status: criteria provided, single submitter. Criteria: ACMG Guidelines, 2015. Collection method: not provided. Allele origin: germline. Inheritance: Autosomal recessive inheritance. Affected: yes.

NM_001136191.3(KANK2):c.972G>A (p.Pro324=)

Gene: KANK2 (KN motif and ankyrin repeat domains 2; minus strand). Cytogenetic location: 19p13.2.
Variant type: single nucleotide variant.
Coding change: c.972G>A on transcript NM_001136191.3 (MANE Select); coding-DNA position 972, G replaced by A.
Protein change: p.Pro324=; no amino-acid change (proline 324 retained).
Molecular consequence: synonymous variant.
Genome position (GRCh38, 1-based): chr19:11,193,108, C>T on the plus strand (G>A on the coding strand, the complement: KANK2 is on the minus strand). VCF-style: chr19-11193108-C-T. GRCh37 (hg19) VCF-style: chr19-11303784-C-T.
Other names: p.Pro324=; c.972G>A, p.Pro324= (NM_001329451.2, NM_001379548.1, NM_001379549.1 and 15 more transcripts).
Identifiers: ClinVar variation 1598676 (VCV001598676.18), dbSNP rs115571447, ClinGen allele CA9205930.
Genomic context (GRCh38, chr19:11,193,108, plus strand): 5'-GCTGGCCACCACCTCCACCTCCCGTGGCCCTTCTACCACCCGGACTGTATCCACGCGGAC[C>T]GGGCTGTCCGGCGGTGGCCAGGCCTGGGGCTGGGGGTCAGCCTGCCGGGCCTGAGCTGCC-3'
Protein context (NP_001129663.1, residues 314-334): QPQAWPPPDS[Pro324=]VRVDTVRVVE